The following is an entry in ClinVar:

ClinVar aggregate classification (germline): Uncertain significance (1 of 4 stars; one submission).

Allele frequency attached by ClinVar (database versions not stated): gnomAD 0.00001 and 0.00002; ExAC 0.00002; TOPMed 0.00002.
gnomAD v4.1: 6 of 1,613,414 alleles (0.00037%); highest among the groups gnomAD compares: Admixed American, 0.01%; no homozygotes.

Submission:

Labcorp Genetics (formerly Invitae), Labcorp
Classification: Uncertain significance. Last evaluated: 2022-05-10. Review status: criteria provided, single submitter. Criteria: Invitae Variant Classification Sherloc (09022015). Collection method: clinical testing. Allele origin: germline.
Comment: This sequence change replaces proline, which is neutral and non-polar, with serine, which is neutral and polar, at codon 90 of the SMAD2 protein (p.Pro90Ser). This variant is present in population databases (rs756023240, gnomAD 0.009%). This variant has not been reported in the literature in individuals affected with SMAD2-related conditions. Advanced modeling of protein sequence and biophysical properties (such as structural, functional, and spatial information, amino acid conservation, physicochemical variation, residue mobility, and thermodynamic stability) performed at Invitae indicates that this missense variant is not expected to disrupt SMAD2 protein function. In summary, the available evidence is currently insufficient to determine the role of this variant in disease. Therefore, it has been classified as a Variant of Uncertain Significance.

NM_005901.6(SMAD2):c.268C>T (p.Pro90Ser)

Gene: SMAD2 (SMAD family member 2; minus strand). Cytogenetic location: 18q21.1.
Variant type: single nucleotide variant.
Coding change: c.268C>T on transcript NM_005901.6 (MANE Select); coding-DNA position 268, C replaced by T.
Protein change: p.Pro90Ser; replaces proline 90 with serine.
Molecular consequence: missense variant. On other transcripts: intron variant (1).
Genome position (GRCh38, 1-based): chr18:47,870,533, G>A on the plus strand (C>T on the coding strand, the complement: SMAD2 is on the minus strand). VCF-style: chr18-47870533-G-A. GRCh37 (hg19) VCF-style: chr18-45396904-G-A.
Other names: c.268C>T, p.Pro90Ser (NM_001003652.4); c.237-1097C>T (NM_001135937.3); short protein forms P90S.
Identifiers: ClinVar variation 1472628 (VCV001472628.8), dbSNP rs756023240, ClinGen allele CA8956319.
Genomic context (GRCh38, chr18:47,870,533, plus strand): 5'-ACCTGGTTTGTTCAGAGAAGCTGTAAAGGCCTGTTGTATCCCACTGATCTATCGTATTTG[G>A]TGTACTCAGTCCCCAAATTTCAGAGCAAGTGCTGTGCATAAATTGAAAAACAAAAAATTG-3'
Protein context (NP_005892.1, residues 80-100): TCSEIWGLST[Pro90Ser]NTIDQWDTTG